The following is an entry in ClinVar:

NM_001849.4(COL6A2):c.1936G>A (p.Gly646Ser)

Gene: COL6A2 (collagen type VI alpha 2 chain; plus strand). Cytogenetic location: 21q22.3.
Variant type: single nucleotide variant.
Coding change: c.1936G>A on transcript NM_001849.4 (MANE Select); coding-DNA position 1936, G replaced by A.
Protein change: p.Gly646Ser; replaces glycine 646 with serine.
Molecular consequence: missense variant.
Genome position (GRCh38, 1-based): chr21:46,125,584, G>A. VCF-style: chr21-46125584-G-A. GRCh37 (hg19) VCF-style: chr21-47545498-G-A.
Other names: c.1936G>A, p.Gly646Ser (NM_058174.3, NM_058175.3); short protein forms G646S.
Identifiers: ClinVar variation 4996738 (VCV004996738.1).

ClinVar aggregate classification (germline): Uncertain significance (1 of 4 stars; one submission).

Conditions:
COL6A2-related disorder.

gnomAD v4.1: 1 of 1,612,856 alleles (0.000062%); no homozygotes.

Submission:

PreventionGenetics, part of Exact Sciences
Classification: Uncertain significance for COL6A2-related condition. Last evaluated: 2026-09-12. Review status: criteria provided, single submitter. Criteria: ACMG Guidelines, 2015. Collection method: clinical testing. Allele origin: germline.
Comment: The COL6A2 c.1936G>A variant is predicted to result in the amino acid substitution p.Gly646Ser. To our knowledge, this variant has not been reported in the literature or in a large population database (gnomAD), indicating this variant is rare. At this time, the clinical significance of this variant is uncertain due to the absence of conclusive functional and genetic evidence.